The following is an entry in ClinVar:

ClinVar aggregate classification (germline): Uncertain significance (1 of 4 stars; one submission).

Conditions:
Noonan syndrome (NS). Also called: Noonan's syndrome. Identifiers: Orphanet 648, MedGen C0028326, MeSH D009634, MONDO:0018997. Disease mechanism: gain of function.

Allele frequency attached by ClinVar (database versions not stated): gnomAD 0.00001; 1000 Genomes Project 30x 0.00016; 1000 Genomes Project 0.00020; ExAC 0.00001.
gnomAD v4.1: 5 of 1,614,062 alleles (0.00031%); highest among the groups gnomAD compares: Non-Finnish European, 0.00042%; no homozygotes.

Submission:

Labcorp Genetics (formerly Invitae), Labcorp
Classification: Uncertain significance for Noonan syndrome. Last evaluated: 2023-06-22. Review status: criteria provided, single submitter. Criteria: Invitae Variant Classification Sherloc (09022015). Collection method: clinical testing. Allele origin: germline.
Comment: This variant has not been reported in the literature in individuals affected with RRAS-related conditions. This sequence change replaces phenylalanine, which is neutral and non-polar, with isoleucine, which is neutral and non-polar, at codon 123 of the RRAS protein (p.Phe123Ile). This variant is present in population databases (rs199656328, gnomAD 0.0009%). An algorithm developed to predict the effect of missense changes on protein structure and function (PolyPhen-2) suggests that this variant is likely to be tolerated. In summary, the available evidence is currently insufficient to determine the role of this variant in disease. Therefore, it has been classified as a Variant of Uncertain Significance.

NM_006270.5(RRAS):c.367T>A (p.Phe123Ile)

Gene: RRAS (RAS related; minus strand). Cytogenetic location: 19q13.33.
Variant type: single nucleotide variant.
Coding change: c.367T>A on transcript NM_006270.5 (MANE Select); coding-DNA position 367, T replaced by A.
Protein change: p.Phe123Ile; replaces phenylalanine 123 with isoleucine.
Molecular consequence: missense variant.
Genome position (GRCh38, 1-based): chr19:49,636,705, A>T on the plus strand (T>A on the coding strand, the complement: RRAS is on the minus strand). VCF-style: chr19-49636705-A-T. GRCh37 (hg19) VCF-style: chr19-50139962-A-T.
Other names: short protein forms F123I.
Identifiers: ClinVar variation 2813332 (VCV002813332.3), dbSNP rs199656328, ClinGen allele CA9579042.
Genomic context (GRCh38, chr19:49,636,705, plus strand): 5'-TGTTCCCGACCAACACAACGGGGAAGTCGTCGCGGTCCTTGACCCGCAGAATCTGCGTGA[A>T]GAGCTTGCCCACCTCGTTGAAACTGCGAGTGAAGCCGGAGGCATGAGGTCCAGCCAGCTG-3'
Protein context (NP_006261.1, residues 113-133): RQSFNEVGKL[Phe123Ile]TQILRVKDRD